The following is an entry in ClinVar:

ClinVar aggregate classification (germline): Benign/Likely benign. Review status: criteria provided, multiple submitters, no conflicts (2 of 4 stars). 2 submissions from 2 submitters: Benign (1); Likely benign (1). Last evaluated 2026-01-19.

Conditions:
KMT2C-related disorder. Also called: KMT2C-related disorders; KMT2C-related condition.

Allele frequency attached by ClinVar (database versions not stated): 1000 Genomes Project 30x 0.00094; ESP Exome Variant Server 0.00031; gnomAD 0.00035; TOPMed 0.00051; 1000 Genomes Project 0.00080; gnomAD exomes 0.00005; ExAC 0.00019.
gnomAD v4.1: 127 of 1,606,672 alleles (0.0079%); highest among the groups gnomAD compares: African/African-American, 0.12%; no homozygotes.

Submissions (2):

Labcorp Genetics (formerly Invitae), Labcorp
Classification: Benign. Last evaluated: 2026-01-19. Review status: criteria provided, single submitter. Criteria: Invitae Variant Classification Sherloc (09022015). Collection method: clinical testing. Allele origin: germline.

PreventionGenetics, part of Exact Sciences
Classification: Likely benign for KMT2C-related condition. Last evaluated: 2025-06-23. Review status: criteria provided, single submitter. Criteria: ACMG Guidelines, 2015. Collection method: clinical testing. Allele origin: germline.
Comment: This variant is classified as likely benign based on ACMG/AMP sequence variant interpretation guidelines (Richards et al. 2015 PMID: 25741868, with internal and published modifications).

NM_170606.3(KMT2C):c.10008A>G (p.Gln3336=)

Gene: KMT2C (lysine methyltransferase 2C; minus strand). Cytogenetic location: 7q36.1.
Variant type: single nucleotide variant.
Coding change: c.10008A>G on transcript NM_170606.3 (MANE Select); coding-DNA position 10008, A replaced by G.
Protein change: p.Gln3336=; no amino-acid change (glutamine 3336 retained).
Molecular consequence: synonymous variant.
Genome position (GRCh38, 1-based): chr7:152,163,569, T>C on the plus strand (A>G on the coding strand, the complement: KMT2C is on the minus strand). VCF-style: chr7-152163569-T-C. GRCh37 (hg19) VCF-style: chr7-151860654-T-C.
Other names: c.10008A>G (NM_170606.2).
Identifiers: ClinVar variation 2146524 (VCV002146524.5), dbSNP rs148801464, ClinGen allele CA4579369.